The following is an entry in ClinVar:

NM_013432.5(TONSL):c.3404A>G (p.Asp1135Gly)

Gene: TONSL (tonsoku like, DNA repair protein; minus strand). Cytogenetic location: 8q24.3.
Variant type: single nucleotide variant.
Coding change: c.3404A>G on transcript NM_013432.5 (MANE Select); coding-DNA position 3404, A replaced by G.
Protein change: p.Asp1135Gly; replaces aspartic acid 1135 with glycine.
Molecular consequence: missense variant.
Genome position (GRCh38, 1-based): chr8:144,433,743, T>C on the plus strand (A>G on the coding strand, the complement: TONSL is on the minus strand). VCF-style: chr8-144433743-T-C. GRCh37 (hg19) VCF-style: chr8-145659126-T-C.
Other names: short protein forms D1135G.
Identifiers: ClinVar variation 2096969 (VCV002096969.4), dbSNP rs2537480187, ClinGen allele CA372644948.

ClinVar aggregate classification (germline): Uncertain significance (1 of 4 stars; one submission).

Submission:

Labcorp Genetics (formerly Invitae), Labcorp
Classification: Uncertain significance. Last evaluated: 2022-03-04. Review status: criteria provided, single submitter. Criteria: Invitae Variant Classification Sherloc (09022015). Collection method: clinical testing. Allele origin: germline.
Comment: Algorithms developed to predict the effect of missense changes on protein structure and function are either unavailable or do not agree on the potential impact of this missense change (SIFT: "Tolerated"; PolyPhen-2: "Possibly Damaging"; Align-GVGD: "Class C0"). In summary, the available evidence is currently insufficient to determine the role of this variant in disease. Therefore, it has been classified as a Variant of Uncertain Significance. This variant has not been reported in the literature in individuals affected with TONSL-related conditions. This variant is not present in population databases (gnomAD no frequency). This sequence change replaces aspartic acid, which is acidic and polar, with glycine, which is neutral and non-polar, at codon 1135 of the TONSL protein (p.Asp1135Gly).